The following is an entry in ClinVar:

ClinVar aggregate classification (germline): Likely pathogenic (1 of 4 stars; one submission).

Conditions:
Cardiovascular phenotype. Identifiers: MedGen CN230736.

Submission:

Ambry Genetics
Classification: Likely pathogenic for Cardiovascular phenotype. Last evaluated: 2020-10-15. Review status: criteria provided, single submitter. Criteria: Ambry Variant Classification Scheme 2023. Collection method: clinical testing. Allele origin: germline.
Comment: The p.Q3143* variant (also known as c.9427C>T), located in coding exon 39 of the TTN gene, results from a C to T substitution at nucleotide position 9427. This changes the amino acid from a glutamine to a stop codon within coding exon 39. This exon is located in the I-band region of the N2-B isoform of the titin protein and is constitutively expressed in TTN transcripts (percent spliced in or PSI 100%). This alteration is expected to result in loss of function by premature protein truncation or nonsense-mediated mRNA decay. While truncating variants in TTN are present in 1-3% of the general population, truncating variants in the A-band are the most common cause of dilated cardiomyopathy (DCM) (Herman DS et al. N. Engl. J. Med., 2012 Feb;366:619-28; Roberts AM et al. Sci Transl Med, 2015 Jan;7:270ra6). TTN truncating variants encoded in constitutive exons (PSI >90%) have been found to be significantly associated with DCM regardless of their position in titin (Schafer S et al. Nat. Genet., 2017 01;49:46-53). As such, this alteration is classified as likely pathogenic.

NM_001267550.2(TTN):c.9565C>T (p.Gln3189Ter)

Gene: TTN (titin; minus strand). Cytogenetic location: 2q31.2.
Variant type: single nucleotide variant.
Coding change: c.9565C>T on transcript NM_001267550.2 (MANE Select); coding-DNA position 9565, C replaced by T.
Protein change: p.Gln3189Ter; replaces glutamine 3189 with a stop codon.
Molecular consequence: nonsense.
Genome position (GRCh38, 1-based): chr2:178,766,519, G>A on the plus strand (C>T on the coding strand, the complement: TTN is on the minus strand). VCF-style: chr2-178766519-G-A. GRCh37 (hg19) VCF-style: chr2-179631246-G-A.
Other names: c.9565C>T, p.Gln3189Ter (NM_001256850.1, NM_133378.4, NM_133379.5); c.9427C>T, p.Gln3143Ter (NM_003319.4, NM_133432.3, NM_133437.4); short protein forms Q3143*, Q3189*.
Identifiers: ClinVar variation 1766916 (VCV001766916.2), dbSNP rs768694953, ClinGen allele CA349674873.